The following is an entry in ClinVar:

ClinVar aggregate classification (germline): Pathogenic (1 of 4 stars; one submission).

Conditions:
2-aminoadipic 2-oxoadipic aciduria (AAKAD). Also called: Aminoadipic aciduria; ALPHA-AMINOADIPIC AND ALPHA-KETOADIPIC ACIDURIA. Identifiers: Orphanet 79154, MedGen C1859817, MONDO:0008774, OMIM 204750.

Submission:

Labcorp Genetics (formerly Invitae), Labcorp
Classification: Pathogenic for 2-aminoadipic 2-oxoadipic aciduria. Last evaluated: 2023-01-05. Review status: criteria provided, single submitter. Criteria: Invitae Variant Classification Sherloc (09022015). Collection method: clinical testing. Allele origin: unknown.
Comment: This variant is a gross deletion of the genomic region encompassing exon(s) 11-17 of the DHTKD1 gene, which includes the termination codon. This deletion extends beyond the assayed region for this gene and therefore may encompass additional genes. While this deletion is not anticipated to lead to nonsense mediated decay, it is expected to alter mRNA translation or result in a truncated protein product. For these reasons, this variant has been classified as Pathogenic. This variant disrupts a region of the DHTKD1 protein in which other variant(s) (p.Gly729Arg) have been determined to be pathogenic (PMID: 23141293, 25860818, 26141459; Invitae). This suggests that this is a clinically significant region of the protein, and that variants that disrupt it are likely to be disease-causing. This variant has not been reported in the literature in individuals affected with DHTKD1-related conditions.

Literature cited by the submitters: PubMed 23141293; PubMed 25860818; PubMed 26141459.

NC_000010.10:g.(?_12148225)_(12162887_?)del

Gene: DHTKD1 (dehydrogenase E1 and transketolase domain containing 1; plus strand). Cytogenetic location: 10p14.
Variant type: Deletion.
Identifiers: ClinVar variation 3244853 (VCV003244853.1).